The following is an entry in ClinVar:

ClinVar aggregate classification (germline): Uncertain significance (0 of 4 stars; one submission).

Allele frequency attached by ClinVar (database versions not stated): gnomAD exomes 0.00003 and 0.00001; gnomAD 0.00001; TOPMed 0.00002.
gnomAD v4.1: 48 of 1,610,006 alleles (0.003%); highest among the groups gnomAD compares: Non-Finnish European, 0.0039%; no homozygotes.

Submission:

Martin Pollak Laboratory,  Beth Israel Deaconess Medical Center
Classification: Uncertain significance. Review status: no assertion criteria provided. Collection method: not provided. Allele origin: unknown.
Comment: Lower UCa2+ group
ClinVar note: Converted during submission from unknown to Uncertain significance.

NM_003361.4(UMOD):c.797C>T (p.Ala266Val)

Gene: UMOD (uromodulin; minus strand). Cytogenetic location: 16p12.3.
Variant type: single nucleotide variant.
Coding change: c.797C>T on transcript NM_003361.4 (MANE Select); coding-DNA position 797, C replaced by T.
Protein change: p.Ala266Val; replaces alanine 266 with valine.
Molecular consequence: missense variant. On other transcripts: non-coding transcript variant (1).
Genome position (GRCh38, 1-based): chr16:20,348,504, G>A on the plus strand (C>T on the coding strand, the complement: UMOD is on the minus strand). VCF-style: chr16-20348504-G-A. GRCh37 (hg19) VCF-style: chr16-20359826-G-A.
Other names: c.797C>T, p.Ala266Val (NM_001008389.3, NM_001378232.1, NM_001378233.1 and 3 more transcripts); c.896C>T, p.Ala299Val (NM_001278614.2); short protein forms A266V, A299V.
Identifiers: ClinVar variation 64446 (VCV000064446.2), dbSNP rs387907551, ClinGen allele CA216159.